The following is an entry in ClinVar:

NM_001844.5(COL2A1):c.2632A>G (p.Thr878Ala)

Gene: COL2A1 (collagen type II alpha 1 chain; minus strand). Cytogenetic location: 12q13.11.
Variant type: single nucleotide variant.
Coding change: c.2632A>G on transcript NM_001844.5 (MANE Select); coding-DNA position 2632, A replaced by G.
Protein change: p.Thr878Ala; replaces threonine 878 with alanine.
Molecular consequence: missense variant.
Genome position (GRCh38, 1-based): chr12:47,980,056, T>C on the plus strand (A>G on the coding strand, the complement: COL2A1 is on the minus strand). VCF-style: chr12-47980056-T-C. GRCh37 (hg19) VCF-style: chr12-48373839-T-C.
Other names: c.2425A>G, p.Thr809Ala (NM_033150.3); short protein forms T809A, T878A.
Identifiers: ClinVar variation 1307867 (VCV001307867.6), dbSNP rs147760401, ClinGen allele CA236522855.

ClinVar aggregate classification (germline): Conflicting classifications of pathogenicity. Review status: criteria provided, conflicting classifications (1 of 4 stars). 4 submissions from 4 submitters: Uncertain significance (3); Likely benign (1). Last evaluated 2026-04-14.

Conditions:
COL2A1-related disorder. Also called: COL2A1-related condition; COL2A1-related disorders.
Inborn genetic diseases. Identifiers: MedGen C0950123, MeSH D030342.

Allele frequency attached by ClinVar (database versions not stated): gnomAD exomes below 0.00001 and 0.00001; TOPMed 0.00001; ESP Exome Variant Server 0.00008.
gnomAD v4.1: 4 of 1,554,082 alleles (0.00026%); highest among the groups gnomAD compares: Non-Finnish European, 0.00017%; no homozygotes.

Submissions (4):

Ambry Genetics
Classification: Uncertain significance for Inborn genetic diseases. Last evaluated: 2026-04-14. Review status: criteria provided, single submitter. Criteria: Ambry Variant Classification Scheme 2023. Collection method: clinical testing. Allele origin: germline.

PreventionGenetics, part of Exact Sciences
Classification: Uncertain significance for COL2A1-related condition. Last evaluated: 2025-04-10. Review status: criteria provided, single submitter. Criteria: ACMG Guidelines, 2015. Collection method: clinical testing. Allele origin: germline.
Comment: The COL2A1 c.2632A>G variant is predicted to result in the amino acid substitution p.Thr878Ala. To our knowledge, this variant has not been reported in the literature. This variant is reported in 0.0040% of alleles in individuals of Latino descent in gnomAD. At this time, the clinical significance of this variant is uncertain due to the absence of conclusive functional and genetic evidence.

Labcorp Genetics (formerly Invitae), Labcorp
Classification: Likely benign. Last evaluated: 2024-06-06. Review status: criteria provided, single submitter. Criteria: Invitae Variant Classification Sherloc (09022015). Collection method: clinical testing. Allele origin: germline.

GeneDx
Classification: Uncertain significance. Last evaluated: 2019-08-14. Review status: criteria provided, single submitter. Criteria: GeneDx Variant Classification Process June 2021. Collection method: clinical testing. Allele origin: germline. Affected: yes.
Comment: Occurs in the triple helical domain at the Y position in the canonical Gly-X-Y repeat. Although this variant may have an effect on normal protein folding and function, missense substitution at the Y position is not a common mechanism of disease; Not observed at a significant frequency in large population cohorts (Lek et al., 2016); In silico analysis, which includes protein predictors and evolutionary conservation, supports that this variant does not alter protein structure/function; Has not been previously published as pathogenic or benign to our knowledge